The following is an entry in ClinVar:

NM_001242896.3(DEPDC5):c.3331-11A>G

Gene: DEPDC5 (DEP domain containing 5, GATOR1 subcomplex subunit; plus strand). Cytogenetic location: 22q12.3.
Variant type: single nucleotide variant.
Coding change: c.3331-11A>G on transcript NM_001242896.3 (MANE Select); 11 bases into the intron before coding-DNA position 3331, A replaced by G.
Molecular consequence: intron variant.
Genome position (GRCh38, 1-based): chr22:31,870,579, A>G. VCF-style: chr22-31870579-A-G. GRCh37 (hg19) VCF-style: chr22-32266565-A-G.
Other names: c.3331-11A>G (NM_001364318.2); c.3304-11A>G (NM_001136029.4); c.3238-11A>G (NM_014662.6, NM_001369903.1); c.3265-11A>G (NM_001363852.2, NM_001364320.2); c.3097-11A>G (NM_001363854.2, NM_001364319.2); c.3031-11A>G (NM_001242897.2); c.3247-11A>G (NM_001369902.1, NM_001369901.1).
Identifiers: ClinVar variation 2063740 (VCV002063740.4), dbSNP rs746738313, ClinGen allele CA10196957.

ClinVar aggregate classification (germline): Uncertain significance (1 of 4 stars; one submission).

Conditions:
Familial focal epilepsy with variable foci (FPEVF). Identifiers: Orphanet 98820, MedGen C1858477, MONDO:0020310.

Allele frequency attached by ClinVar (database versions not stated): gnomAD exomes below 0.00001; gnomAD 0.00001; TOPMed 0.00002; ExAC 0.00004.
gnomAD v4.1: 7 of 1,490,296 alleles (0.00047%); highest among the groups gnomAD compares: Admixed American, 0.015%; no homozygotes.

Submission:

Labcorp Genetics (formerly Invitae), Labcorp
Classification: Uncertain significance for Familial focal epilepsy with variable foci. Last evaluated: 2023-05-01. Review status: criteria provided, single submitter. Criteria: Invitae Variant Classification Sherloc (09022015). Collection method: clinical testing. Allele origin: germline.
Comment: This sequence change falls in intron 33 of the DEPDC5 gene. It does not directly change the encoded amino acid sequence of the DEPDC5 protein. This variant is present in population databases (rs746738313, gnomAD 0.03%). This variant has not been reported in the literature in individuals affected with DEPDC5-related conditions. ClinVar contains an entry for this variant (Variation ID: 2063740). Algorithms developed to predict the effect of sequence changes on RNA splicing suggest that this variant may create or strengthen a splice site. In summary, the available evidence is currently insufficient to determine the role of this variant in disease. Therefore, it has been classified as a Variant of Uncertain Significance.